The following is an entry in ClinVar:

ClinVar aggregate classification (germline): Uncertain significance (1 of 4 stars; one submission).

Conditions:
Hereditary cancer-predisposing syndrome. Also called: Neoplastic Syndromes, Hereditary; Tumor predisposition; Hereditary Cancer Syndrome; Hereditary neoplastic syndrome. Identifiers: Orphanet 140162, MedGen C0027672, MeSH D009386, MONDO:0015356.

Allele frequency attached by ClinVar (database versions not stated): gnomAD exomes below 0.00001.
gnomAD v4.1: 1 of 1,569,296 alleles (0.000064%); highest among the groups gnomAD compares: Non-Finnish European, 0.000086%; no homozygotes.

Submission:

Ambry Genetics
Classification: Uncertain significance for Hereditary cancer-predisposing syndrome. Last evaluated: 2022-09-21. Review status: criteria provided, single submitter. Criteria: Ambry Variant Classification Scheme 2023. Collection method: clinical testing. Allele origin: germline.
Comment: The p.D569Y variant (also known as c.1705G>T), located in coding exon 6 of the BLM gene, results from a G to T substitution at nucleotide position 1705. The aspartic acid at codon 569 is replaced by tyrosine, an amino acid with highly dissimilar properties. This amino acid position is conserved. In addition, this alteration is predicted to be tolerated by in silico analysis. Since supporting evidence is limited at this time, the clinical significance of this alteration remains unclear.

NM_000057.4(BLM):c.1705G>T (p.Asp569Tyr)

Gene: BLM (BLM RecQ like helicase; plus strand). Cytogenetic location: 15q26.1.
Variant type: single nucleotide variant.
Coding change: c.1705G>T on transcript NM_000057.4 (MANE Select); coding-DNA position 1705, G replaced by T.
Protein change: p.Asp569Tyr; replaces aspartic acid 569 with tyrosine.
Molecular consequence: missense variant.
Genome position (GRCh38, 1-based): chr15:90,761,078, G>T. VCF-style: chr15-90761078-G-T. GRCh37 (hg19) VCF-style: chr15-91304308-G-T.
Other names: c.1705G>T, p.Asp569Tyr (NM_001287246.2, NM_001287247.2); c.580G>T, p.Asp194Tyr (NM_001287248.2); short protein forms D194Y, D569Y.
Identifiers: ClinVar variation 1778437 (VCV001778437.2), dbSNP rs2505428220, ClinGen allele CA393843668.